The following is an entry in ClinVar:

NM_152564.5(VPS13B):c.710G>A (p.Arg237His)

Gene: VPS13B (vacuolar protein sorting 13 homolog B; plus strand). Cytogenetic location: 8q22.2.
Variant type: single nucleotide variant.
Coding change: c.710G>A on transcript NM_152564.5 (MANE Select); coding-DNA position 710, G replaced by A.
Protein change: p.Arg237His; replaces arginine 237 with histidine.
Molecular consequence: missense variant. On other transcripts: non-coding transcript variant (1).
Genome position (GRCh38, 1-based): chr8:99,111,227, G>A. VCF-style: chr8-99111227-G-A. GRCh37 (hg19) VCF-style: chr8-100123455-G-A.
Other names: c.710G>A, p.Arg237His (NM_015243.3, NM_017890.5, NM_181661.3); short protein forms R237H.
Identifiers: ClinVar variation 578539 (VCV000578539.13), dbSNP rs751804274, ClinGen allele CA4822449.
Genomic context (GRCh38, chr8:99,111,227, plus strand): 5'-CCAGTGGTAAAATAGAATTTTACCAGGATCCTTTATTATACAAATGTTCCTTCAGAACTC[G>A]TCTTCATTTTACATATGAAAACCTAAATTCCAAGATGCCATCTGTTATTAAAGTAGGTAT-3'
Protein context (NP_689777.3, residues 227-247): PLLYKCSFRT[Arg237His]LHFTYENLNS

ClinVar aggregate classification (germline): Uncertain significance. Review status: criteria provided, multiple submitters, no conflicts (2 of 4 stars). 3 submissions from 3 submitters: Uncertain significance (2). 1 of the submissions does not count toward it. Last evaluated 2022-10-25.

Conditions:
Cohen syndrome (COH1). Also called: PEPPER SYNDROME; Cutis verticis gyrata, retinitis pigmentosa, and sensorineural deafness. Identifiers: Orphanet 193, MedGen C0265223, MONDO:0008999, OMIM 216550.

Allele frequency attached by ClinVar (database versions not stated): gnomAD exomes 0.00001 and 0.00003; ExAC 0.00003; gnomAD 0.00001.
gnomAD v4.1: 18 of 1,601,318 alleles (0.0011%); highest among the groups gnomAD compares: East Asian, 0.0068%; no homozygotes.

Submissions (3):

Labcorp Genetics (formerly Invitae), Labcorp
Classification: Uncertain significance for Cohen syndrome. Last evaluated: 2022-10-25. Review status: criteria provided, single submitter. Criteria: Invitae Variant Classification Sherloc (09022015). Collection method: clinical testing. Allele origin: germline.
Comment: This sequence change replaces arginine, which is basic and polar, with histidine, which is basic and polar, at codon 237 of the VPS13B protein (p.Arg237His). This variant is present in population databases (rs751804274, gnomAD 0.01%). This missense change has been observed in individual(s) with developmental disorder (PMID: 32959227). ClinVar contains an entry for this variant (Variation ID: 578539). Advanced modeling of protein sequence and biophysical properties (such as structural, functional, and spatial information, amino acid conservation, physicochemical variation, residue mobility, and thermodynamic stability) performed at Invitae indicates that this missense variant is expected to disrupt VPS13B protein function. In summary, the available evidence is currently insufficient to determine the role of this variant in disease. Therefore, it has been classified as a Variant of Uncertain Significance.

Juno Genomics, Hangzhou Juno Genomics, Inc
Classification: Uncertain significance for Cohen syndrome. Review status: criteria provided, single submitter. Criteria: ACMG Guidelines, 2015. Collection method: clinical testing. Allele origin: germline.
Comment: Absent from controls (or at extremely low frequency if recessive) in Genome Aggregation Database.;Multiple lines of computational evidence support a deleterious effect on the gene or gene product.

Natera, Inc.
Classification: Uncertain significance for Cohen syndrome. Last evaluated: 2019-11-11. Review status: no assertion criteria provided. Collection method: clinical testing. Allele origin: germline. Not counted in ClinVar's aggregate classification.

Literature cited by the submitters: PubMed 32959227 (cited by Labcorp Genetics (formerly Invitae), Labcorp).